The following is an entry in ClinVar:

NM_006312.6(NCOR2):c.948C>T (p.Ile316=)

Gene: NCOR2 (nuclear receptor corepressor 2; minus strand). Cytogenetic location: 12q24.31.
Variant type: single nucleotide variant.
Coding change: c.948C>T on transcript NM_006312.6 (MANE Select); coding-DNA position 948, C replaced by T.
Protein change: p.Ile316=; no amino-acid change (isoleucine 316 retained).
Molecular consequence: synonymous variant.
Genome position (GRCh38, 1-based): chr12:124,430,722, G>A on the plus strand (C>T on the coding strand, the complement: NCOR2 is on the minus strand). VCF-style: chr12-124430722-G-A. GRCh37 (hg19) VCF-style: chr12-124915268-G-A.
Other names: c.948C>T, p.Ile316= (NM_001077261.4, NM_001206654.2).
Identifiers: ClinVar variation 2643562 (VCV002643562.24), dbSNP rs370864739, ClinGen allele CA6869686.

ClinVar aggregate classification (germline): Likely benign (1 of 4 stars; one submission).

Allele frequency attached by ClinVar (database versions not stated): gnomAD exomes 0.00005; ExAC 0.00009; gnomAD 0.00009; ESP Exome Variant Server 0.00016.
gnomAD v4.1: 87 of 1,614,012 alleles (0.0054%); highest among the groups gnomAD compares: Admixed American, 0.037%; no homozygotes.

Submission:

CeGaT Center for Human Genetics Tuebingen
Classification: Likely benign. Last evaluated: 2022-06-01. Review status: criteria provided, single submitter. Criteria: CeGaT Center For Human Genetics Tuebingen Variant Classification Criteria Version 2. Collection method: clinical testing. Allele origin: germline. Affected: yes. Observed: 1 variant allele.
Comment: NCOR2: BP4, BP7